The following is an entry in ClinVar:

ClinVar aggregate classification (germline): Pathogenic (1 of 4 stars; one submission).

Conditions:
GATA1-related disorder. Also called: GATA1-related condition.

Submission:

Rady Children's Institute for Genomic Medicine, Rady Children's Hospital San Diego
Classification: Pathogenic for GATA1-related disorders. Last evaluated: 2024-08-30. Review status: criteria provided, single submitter. Criteria: ACMG Guidelines, 2015. Collection method: clinical testing. Allele origin: germline. Affected: yes.
Comment: This start-loss variant affects the translation initiation codon (p.Met1) and is therefore predicted to result in loss of normal protein function. Loss-of-function variation in GATA1 is an established mechanism of disease (PMID: 20301538, 36029112). This variant has not been previously reported or functionally characterized in the literature to our knowledge; however, a different start-loss variant affecting the initiation codon, c.3G>A (p.M1?), has been reported as a heterozygous change in patients with GATA1-related disorders (PMID: 36029112, 20729467, 24952648). The c.3G>C (p.Met1?) variant is absent from the latest version of the gnomAD population database and thus is presumed to be rare. Based on parental analysis, this variant likely occurred as a de novo event. Based on the available evidence, c.3G>C (p.Met1?) is classified as Pathogenic.

NM_002049.4(GATA1):c.3G>C (p.Met1Ile)

Gene: GATA1 (GATA binding protein 1; plus strand). Cytogenetic location: Xp11.23.
Variant type: single nucleotide variant.
Coding change: c.3G>C on transcript NM_002049.4 (MANE Select); coding-DNA position 3, G replaced by C.
Protein change: p.Met1Ile; changes the start codon (methionine 1).
Molecular consequence: missense variant, initiator codon variant.
Genome position (GRCh38, 1-based): chrX:48,791,112, G>C. VCF-style: chrX-48791112-G-C. GRCh37 (hg19) VCF-style: chrX-48649519-G-C.
Other names: short protein forms M1I.
Identifiers: ClinVar variation 3773835 (VCV003773835.1).